The following is an entry in ClinVar:

ClinVar aggregate classification (germline): Uncertain significance (1 of 4 stars; one submission).

gnomAD v4.1: 8 of 1,612,410 alleles (0.0005%); highest among the groups gnomAD compares: East Asian, 0.0022%; no homozygotes.

Submission:

Labcorp Genetics (formerly Invitae), Labcorp
Classification: Uncertain significance. Last evaluated: 2024-11-04. Review status: criteria provided, single submitter. Criteria: Invitae Variant Classification Sherloc (09022015). Collection method: clinical testing. Allele origin: germline.
Comment: This sequence change replaces alanine, which is neutral and non-polar, with threonine, which is neutral and polar, at codon 175 of the SERPING1 protein (p.Ala175Thr). This variant is present in population databases (rs374218796, gnomAD 0.007%). This variant has not been reported in the literature in individuals affected with SERPING1-related conditions. Invitae Evidence Modeling of protein sequence and biophysical properties (such as structural, functional, and spatial information, amino acid conservation, physicochemical variation, residue mobility, and thermodynamic stability) has been performed for this missense variant. However, the output from this modeling did not meet the statistical confidence thresholds required to predict the impact of this variant on SERPING1 protein function. In summary, the available evidence is currently insufficient to determine the role of this variant in disease. Therefore, it has been classified as a Variant of Uncertain Significance.

NM_000062.3(SERPING1):c.523G>A (p.Ala175Thr)

Gene: SERPING1 (serpin family G member 1; plus strand). Cytogenetic location: 11q12.1.
Variant type: single nucleotide variant.
Coding change: c.523G>A on transcript NM_000062.3 (MANE Select); coding-DNA position 523, G replaced by A.
Protein change: p.Ala175Thr; replaces alanine 175 with threonine.
Molecular consequence: missense variant.
Genome position (GRCh38, 1-based): chr11:57,600,350, G>A. VCF-style: chr11-57600350-G-A. GRCh37 (hg19) VCF-style: chr11-57367823-G-A.
Other names: c.523G>A, p.Ala175Thr (NM_001032295.2); short protein forms A175T.
Identifiers: ClinVar variation 3666504 (VCV003666504.2).
Genomic context (GRCh38, chr11:57,600,350, plus strand): 5'-CACGCCTTCTCAGCAATGAAGAAGGTGGAGACCAACATGGCCTTTTCCCCATTCAGCATC[G>A]CCAGCCTCCTTACCCAGGTCCTGCTCGGTAAGACCCTGCTTGAATTCTCTCCAGGTCATT-3'
Protein context (NP_000053.2, residues 165-185): TNMAFSPFSI[Ala175Thr]SLLTQVLLGA